The following is an entry in ClinVar:

NM_152618.3(BBS12):c.*613T>C

Gene: BBS12 (Bardet-Biedl syndrome 12; plus strand). Cytogenetic location: 4q27.
Variant type: single nucleotide variant.
Coding change: c.*613T>C on transcript NM_152618.3 (MANE Select); 613 bases downstream of the stop codon, T replaced by C.
Molecular consequence: 3 prime UTR variant.
Genome position (GRCh38, 1-based): chr4:122,744,638, T>C. VCF-style: chr4-122744638-T-C. GRCh37 (hg19) VCF-style: chr4-123665793-T-C.
Other names: c.*613T>C (NM_001178007.2).
Identifiers: ClinVar variation 347511 (VCV000347511.5), dbSNP rs74451613, ClinGen allele CA10617895.

ClinVar aggregate classification (germline): Benign (1 of 4 stars; one submission).

Conditions:
Bardet-Biedl syndrome 12 (BBS12). Identifiers: Orphanet 110, MedGen C1859570, MONDO:0014440, OMIM 615989.

Allele frequency attached by ClinVar (database versions not stated): gnomAD exomes 0.00420; gnomAD 0.03498 and 0.03678; 1000 Genomes Project 0.03614; TOPMed 0.03926; 1000 Genomes Project 30x 0.03998.
gnomAD v4.1: 5,372 of 167,404 alleles (3.2%); highest among the groups gnomAD compares: African/African-American, 8.4%; 179 homozygotes.

Submission:

Illumina Laboratory Services, Illumina
Classification: Benign for Bardet-Biedl syndrome 12. Last evaluated: 2018-01-13. Review status: criteria provided, single submitter. Criteria: ICSL Variant Classification Criteria 13 December 2019. Collection method: clinical testing. Allele origin: germline.
Comment: This variant was observed in the ICSL laboratory as part of a predisposition screen in an ostensibly healthy population. It had not been previously curated by ICSL or reported in the Human Gene Mutation Database (HGMD: prior to June 1st, 2018), and was therefore a candidate for classification through an automated scoring system. Utilizing variant allele frequency, disease prevalence and penetrance estimates, and inheritance mode, an automated score was calculated to assess if this variant is too frequent to cause the disease. Based on the score and internal cut-off values, a variant classified as benign is not then subjected to further curation. The score for this variant resulted in a classification of benign for this disease.